The following is an entry in ClinVar:

NM_000823.4(GHRHR):c.352C>A (p.Leu118Met)

Gene: GHRHR (growth hormone releasing hormone receptor; plus strand). Cytogenetic location: 7p14.3.
Variant type: single nucleotide variant.
Coding change: c.352C>A on transcript NM_000823.4 (MANE Select); coding-DNA position 352, C replaced by A.
Protein change: p.Leu118Met; replaces leucine 118 with methionine.
Molecular consequence: missense variant.
Genome position (GRCh38, 1-based): chr7:30,969,950, C>A. VCF-style: chr7-30969950-C-A. GRCh37 (hg19) VCF-style: chr7-31009565-C-A.
Other names: short protein forms L118M.
Identifiers: ClinVar variation 4797855 (VCV004797855.1).

ClinVar aggregate classification (germline): Uncertain significance (1 of 4 stars; one submission).

gnomAD v4.1: 4 of 1,334,364 alleles (0.0003%); highest among the groups gnomAD compares: Non-Finnish European, 0.00043%; no homozygotes.

Submission:

Labcorp Genetics (formerly Invitae), Labcorp
Classification: Uncertain significance. Last evaluated: 2025-12-15. Review status: criteria provided, single submitter. Criteria: Invitae Variant Classification Sherloc (09022015). Collection method: clinical testing. Allele origin: germline.
Comment: This sequence change replaces leucine, which is neutral and non-polar, with methionine, which is neutral and non-polar, at codon 118 of the GHRHR protein (p.Leu118Met). This variant is not present in population databases (gnomAD no frequency). This variant has not been reported in the literature in individuals affected with GHRHR-related conditions. Invitae Evidence Modeling of protein sequence and biophysical properties (such as structural, functional, and spatial information, amino acid conservation, physicochemical variation, residue mobility, and thermodynamic stability) indicates that this missense variant is not expected to disrupt GHRHR protein function with a negative predictive value of 80%. In summary, the available evidence is currently insufficient to determine the role of this variant in disease. Therefore, it has been classified as a Variant of Uncertain Significance.